The following is an entry in ClinVar:

ClinVar aggregate classification (germline): Likely benign (1 of 4 stars; one submission).

gnomAD v4.1: 3 of 1,422,556 alleles (0.00021%); highest among the groups gnomAD compares: South Asian, 0.003%; no homozygotes.

Submission:

CeGaT Center for Human Genetics Tuebingen
Classification: Likely benign. Last evaluated: 2025-06-01. Review status: criteria provided, single submitter. Criteria: CeGaT Center For Human Genetics Tuebingen Variant Classification Criteria Version 2. Collection method: clinical testing. Allele origin: germline. Affected: yes. Observed: 1 variant allele.
Comment: FMN2: BP4, BP7

NM_020066.5(FMN2):c.843G>A (p.Glu281=)

Gene: FMN2 (formin 2; plus strand). Cytogenetic location: 1q43.
Variant type: single nucleotide variant.
Coding change: c.843G>A on transcript NM_020066.5 (MANE Select); coding-DNA position 843, G replaced by A.
Protein change: p.Glu281=; no amino-acid change (glutamic acid 281 retained).
Molecular consequence: synonymous variant.
Genome position (GRCh38, 1-based): chr1:240,092,952, G>A. VCF-style: chr1-240092952-G-A. GRCh37 (hg19) VCF-style: chr1-240256252-G-A.
Other names: c.843G>A, p.Glu281= (NM_001305424.2, NM_001348094.2).
Identifiers: ClinVar variation 4084519 (VCV004084519.8).
Genomic context (GRCh38, chr1:240,092,952, plus strand): 5'-GGAGGCCCCGGGCAGTCCGGACACCGAGCAGGCGCTGTCCGCGCTCTCCGACCTGCCCGA[G>A]AGCCTGGCCGCCGAGCCCCGGGAGCCCCAGCAACCGCCGTCCCCCGGCGGCCTCCCGGTC-3'
Protein context (NP_064450.3, residues 271-291): QALSALSDLP[Glu281=]SLAAEPREPQ